The following is an entry in ClinVar:

NM_000038.6(APC):c.998C>A (p.Thr333Asn)

Gene: APC (APC regulator of Wnt signaling pathway; plus strand). Cytogenetic location: 5q22.2.
Variant type: single nucleotide variant.
Coding change: c.998C>A on transcript NM_000038.6 (MANE Select); coding-DNA position 998, C replaced by A.
Protein change: p.Thr333Asn; replaces threonine 333 with asparagine.
Molecular consequence: missense variant. On other transcripts: intron variant (4).
Genome position (GRCh38, 1-based): chr5:112,819,030, C>A. VCF-style: chr5-112819030-C-A. GRCh37 (hg19) VCF-style: chr5-112154727-C-A.
Other names: c.998C>A, p.Thr333Asn (NM_001127510.3, NM_001354895.2, NM_001354896.2); c.944C>A, p.Thr315Asn (NM_001127511.3); c.1028C>A, p.Thr343Asn (NM_001354897.2); c.923C>A, p.Thr308Asn (NM_001354898.2); c.914C>A, p.Thr305Asn (NM_001354899.2); c.821C>A, p.Thr274Asn (NM_001354900.2, NM_001354901.2); c.149C>A, p.Thr50Asn (NM_001354906.2); c.964-239C>A (NM_001354902.2); and 3 more; short protein forms T305N, T333N, T343N, T50N, T274N, T308N, T315N.
Identifiers: ClinVar variation 644896 (VCV000644896.10), dbSNP rs1580528148, ClinGen allele CA16023494.

ClinVar aggregate classification (germline): Uncertain significance (1 of 4 stars; one submission).

Conditions:
Familial adenomatous polyposis 1 (FAP1). Also called: FAMILIAL ADENOMATOUS POLYPOSIS 1, ATTENUATED; POLYPOSIS, ADENOMATOUS INTESTINAL. Identifiers: MedGen C2713442, MONDO:0021056, OMIM 175100. Disease mechanism: loss of function.

Submission:

Labcorp Genetics (formerly Invitae), Labcorp
Classification: Uncertain significance for Familial adenomatous polyposis 1. Last evaluated: 2018-11-05. Review status: criteria provided, single submitter. Criteria: Invitae Variant Classification Sherloc (09022015). Collection method: clinical testing. Allele origin: germline.
Comment: In summary, the available evidence is currently insufficient to determine the role of this variant in disease. Therefore, it has been classified as a Variant of Uncertain Significance. Algorithms developed to predict the effect of missense changes on protein structure and function are either unavailable or do not agree on the potential impact of this missense change (SIFT: "Tolerated"; PolyPhen-2: "Probably Damaging"; Align-GVGD: "Class C0"). This variant has not been reported in the literature in individuals with APC-related disease. This variant is not present in population databases (ExAC no frequency). This sequence change replaces threonine with asparagine at codon 333 of the APC protein (p.Thr333Asn). The threonine residue is highly conserved and there is a small physicochemical difference between threonine and asparagine.